The following is an entry in ClinVar:

NM_004928.3(CFAP410):c.268C>T (p.Arg90Trp)

Gene: CFAP410 (cilia and flagella associated protein 410; minus strand). Cytogenetic location: 21q22.3.
Variant type: single nucleotide variant.
Coding change: c.268C>T on transcript NM_004928.3 (MANE Select); coding-DNA position 268, C replaced by T.
Protein change: p.Arg90Trp; replaces arginine 90 with tryptophan.
Molecular consequence: missense variant.
Genome position (GRCh38, 1-based): chr21:44,333,138, G>A on the plus strand (C>T on the coding strand, the complement: CFAP410 is on the minus strand). VCF-style: chr21-44333138-G-A. GRCh37 (hg19) VCF-style: chr21-45753021-G-A.
Other names: c.268C>T, p.Arg90Trp (NM_001271440.2, NM_001271441.2); c.145C>T, p.Arg49Trp (NM_001271442.1); short protein forms R49W, R90W.
Identifiers: ClinVar variation 1463277 (VCV001463277.5), dbSNP rs1197313970, ClinGen allele CA410456831.
Genomic context (GRCh38, chr21:44,333,138, plus strand): 5'-TCATGCGGTAGCGGTGGGGGCTGGTGCCGCAGCACGGGTTCTCGGCCAGCCACAGCACCC[G>A]CAGACGCGGCAGCCCCTTCAGGTAGAAGAGCTCAGCCAGGCTGGGGATGCGGTTCCTCCG-3'
Protein context (NP_004919.1, residues 80-100): LFYLKGLPRL[Arg90Trp]VLWLAENPCC

ClinVar aggregate classification (germline): Uncertain significance. Review status: criteria provided, multiple submitters, no conflicts (2 of 4 stars). 2 submissions from 2 submitters: Uncertain significance (2). Last evaluated 2024-05-22.

Allele frequency attached by ClinVar (database versions not stated): gnomAD 0.00001; gnomAD exomes 0.00001; TOPMed 0.00001.
gnomAD v4.1: 10 of 1,612,002 alleles (0.00062%); highest among the groups gnomAD compares: East Asian, 0.0022%; no homozygotes.

Submissions (2):

Blueprint Genetics
Classification: Uncertain significance. Last evaluated: 2024-05-22. Review status: criteria provided, single submitter. Criteria: ACMG Guidelines, 2015. Collection method: clinical testing. Allele origin: germline.

Labcorp Genetics (formerly Invitae), Labcorp
Classification: Uncertain significance. Last evaluated: 2022-02-10. Review status: criteria provided, single submitter. Criteria: Invitae Variant Classification Sherloc (09022015). Collection method: clinical testing. Allele origin: germline.
Comment: This sequence change replaces arginine, which is basic and polar, with tryptophan, which is neutral and slightly polar, at codon 90 of the CFAP410 protein (p.Arg90Trp). This variant is not present in population databases (gnomAD no frequency). This variant has not been reported in the literature in individuals affected with CFAP410-related conditions. Algorithms developed to predict the effect of missense changes on protein structure and function (SIFT, PolyPhen-2, Align-GVGD) all suggest that this variant is likely to be disruptive. In summary, the available evidence is currently insufficient to determine the role of this variant in disease. Therefore, it has been classified as a Variant of Uncertain Significance.